The following is an entry in ClinVar:

NM_005633.4(SOS1):c.25G>A (p.Glu9Lys)

Genes: SOS1 (SOS Ras/Rac guanine nucleotide exchange factor 1; minus strand), LOC129933535 (ATAC-STARR-seq lymphoblastoid silent region 11384; plus strand). Cytogenetic location: 2p22.1.
Variant type: single nucleotide variant.
Coding change: c.25G>A on transcript NM_005633.4 (MANE Select); coding-DNA position 25, G replaced by A.
Protein change: p.Glu9Lys; replaces glutamic acid 9 with lysine.
Molecular consequence: missense variant. On other transcripts: intron variant (1).
Genome position (GRCh38, 1-based): chr2:39,120,398, C>T on the plus strand (G>A on the coding strand, the complement: SOS1 is on the minus strand). VCF-style: chr2-39120398-C-T. GRCh37 (hg19) VCF-style: chr2-39347539-C-T.
Other names: c.25G>A, p.Glu9Lys (NM_001382395.1); c.66+4266G>A (NM_001382394.1); short protein forms E9K.
Identifiers: ClinVar variation 561447 (VCV000561447.21), dbSNP rs1347187972, ClinGen allele CA346374765.
Genomic context (GRCh38, chr2:39,120,398, plus strand): 5'-TTTTCAGCGCAGGCACCAGTAGTCCCCGCCACTTGGGCGCGTTCTCTTCGCTGAAAAACT[C>T]GTAGGGCAGCTGCTGCGCCTGCATGGTGCCCCCGGGGCGCCTCTGGGCGGGGAGAGGGGC-3'
Protein context (NP_005624.2, residues 1-19): MQAQQLPY[Glu9Lys]FFSEENAPKW

ClinVar aggregate classification (germline): Uncertain significance. Review status: criteria provided, multiple submitters, no conflicts (2 of 4 stars). 3 submissions from 3 submitters: Uncertain significance (3). Last evaluated 2024-05-01.

Conditions:
Fibromatosis, gingival, 1 (GINGF1). Identifiers: Orphanet 2024, MedGen C4551558, MONDO:0007609, OMIM 135300.
Noonan syndrome 4 (NS4). Also called: NOONAN SYNDROME WITH PIGMENTED VILLONODULAR SYNOVITIS; SOS1-Related Noonan Syndrome. Identifiers: Orphanet 648, MedGen C1853120, MONDO:0012547, OMIM 610733.

Allele frequency attached by ClinVar (database versions not stated): gnomAD exomes below 0.00001; TOPMed 0.00001.
gnomAD v4.1: 2 of 1,599,714 alleles (0.00013%); highest among the groups gnomAD compares: Non-Finnish European, 0.00017%; no homozygotes.

Submissions (3):

CeGaT Center for Human Genetics Tuebingen
Classification: Uncertain significance. Last evaluated: 2024-05-01. Review status: criteria provided, single submitter. Criteria: CeGaT Center For Human Genetics Tuebingen Variant Classification Criteria Version 2. Collection method: clinical testing. Allele origin: germline. Affected: yes. Observed: 1 variant allele.
Comment: SOS1: PM2

Fulgent Genetics
Classification: Uncertain significance for Fibromatosis, gingival, 1; Noonan syndrome 4. Last evaluated: 2021-08-17. Review status: criteria provided, single submitter. Criteria: ACMG Guidelines, 2015. Collection method: clinical testing. Allele origin: unknown.

GeneDx
Classification: Uncertain significance. Last evaluated: 2018-04-17. Review status: criteria provided, single submitter. Criteria: GeneDx Variant Classification (06012015). Collection method: clinical testing. Allele origin: germline. Affected: yes.
Comment: The E9K variant in the SOS1 gene has not been reported previously as a pathogenic variant, nor as a benign variant, to our knowledge. The E9K variant is not observed in large population cohorts (Lek et al., 2016). The E9K variant is a non-conservative amino acid substitution, which is likely to impact secondary protein structure as these residues differ in polarity, charge, size and/or other properties. However, in silico analyses, including protein predictors and evolutionary conservation, support that this variant does not alter protein structure/function. We interpret E9K as a variant of uncertain significance.